The following is an entry in ClinVar:

NM_004463.3(FGD1):c.155T>C (p.Leu52Pro)

Gene: FGD1 (FYVE, RhoGEF and PH domain containing 1; minus strand). Cytogenetic location: Xp11.22.
Variant type: single nucleotide variant.
Coding change: c.155T>C on transcript NM_004463.3 (MANE Select); coding-DNA position 155, T replaced by C.
Protein change: p.Leu52Pro; replaces leucine 52 with proline.
Molecular consequence: missense variant.
Genome position (GRCh38, 1-based): chrX:54,495,278, A>G on the plus strand (T>C on the coding strand, the complement: FGD1 is on the minus strand). VCF-style: chrX-54495278-A-G. GRCh37 (hg19) VCF-style: chrX-54521711-A-G.
Other names: short protein forms L52P.
Identifiers: ClinVar variation 4847577 (VCV004847577.1).

ClinVar aggregate classification (germline): Uncertain significance (1 of 4 stars; one submission).

gnomAD v4.1: 8 of 1,190,530 alleles (0.00067%); highest among the groups gnomAD compares: Non-Finnish European, 0.0009%; no homozygotes.

Submission:

Women's Health and Genetics/Laboratory Corporation of America, LabCorp
Classification: Uncertain significance. Last evaluated: 2026-03-02. Review status: criteria provided, single submitter. Criteria: LabCorp Variant Classification Summary - May 2015. Collection method: clinical testing. Allele origin: germline.
Comment: Variant summary: FGD1 c.155T>C (p.Leu52Pro) results in a non-conservative amino acid change in the encoded protein sequence. Algorithms developed to predict the effect of missense changes on protein structure and function are either unavailable or do not agree on the potential impact of this missense change. The frequency data for this variant in gnomAD is considered unreliable, as metrics indicate poor data quality at this position. To our knowledge, no occurrence of c.155T>C in individuals affected with FGD1-related conditions and no experimental evidence demonstrating its impact on protein function have been reported. No submitters have cited clinical-significance assessments for this variant to ClinVar. Based on the evidence outlined above, the variant was classified as uncertain significance.